The following is an entry in ClinVar:

NM_001198950.3(MYO16):c.1071C>T (p.His357=)

Gene: MYO16 (myosin XVI; plus strand). Cytogenetic location: 13q33.3.
Variant type: single nucleotide variant.
Coding change: c.1071C>T on transcript NM_001198950.3 (MANE Select); coding-DNA position 1071, C replaced by T.
Protein change: p.His357=; no amino-acid change (histidine 357 retained).
Molecular consequence: synonymous variant.
Genome position (GRCh38, 1-based): chr13:108,823,252, C>T. VCF-style: chr13-108823252-C-T. GRCh37 (hg19) VCF-style: chr13-109475600-C-T.
Other names: c.1005C>T, p.His335= (NM_015011.3).
Identifiers: ClinVar variation 710214 (VCV000710214.7), dbSNP rs61742194, ClinGen allele CA7044592.

ClinVar aggregate classification (germline): Benign. Review status: criteria provided, multiple submitters, no conflicts (2 of 4 stars). 3 submissions from 3 submitters: Benign (2). 1 of the submissions does not count toward it. Last evaluated 2019-12-31.

Conditions:
MYO16-related disorder. Also called: MYO16-related condition.

Allele frequency attached by ClinVar (database versions not stated): ESP Exome Variant Server 0.00484; gnomAD 0.00524 and 0.00590; TOPMed 0.00543; gnomAD exomes 0.00614; ExAC 0.00711; 1000 Genomes Project 30x 0.01031; 1000 Genomes Project 0.01138.
gnomAD v4.1: 4,750 of 1,612,036 alleles (0.29%); highest among the groups gnomAD compares: South Asian, 2.5%; 55 homozygotes.

Submissions (3):

Labcorp Genetics (formerly Invitae), Labcorp
Classification: Benign. Last evaluated: 2019-12-31. Review status: criteria provided, single submitter. Criteria: Invitae Variant Classification Sherloc (09022015). Collection method: clinical testing. Allele origin: germline.

Breakthrough Genomics
Classification: Benign. Review status: criteria provided, single submitter. Criteria: ACMG Guidelines, 2015. Collection method: not provided. Allele origin: germline. Inheritance: Unknown mechanism. Affected: yes.

PreventionGenetics, part of Exact Sciences
Classification: Benign for MYO16-related condition. Last evaluated: 2019-03-05. Review status: no assertion criteria provided. Collection method: clinical testing. Allele origin: germline. Not counted in ClinVar's aggregate classification.
Comment: This variant is classified as benign based on ACMG/AMP sequence variant interpretation guidelines (Richards et al. 2015 PMID: 25741868, with internal and published modifications).